The following is an entry in ClinVar:

ClinVar aggregate classification (germline): Conflicting classifications of pathogenicity. Review status: criteria provided, conflicting classifications (1 of 4 stars). 7 submissions from 7 submitters: Uncertain significance (1); Benign (3); Likely benign (2). 1 of the submissions does not count toward it. Last evaluated 2026-01-28.

Conditions:
Primary ciliary dyskinesia. Also called: Ciliary dyskinesia. Identifiers: Orphanet 244, MedGen C0008780, MONDO:0016575, HP:0012265.
Primary ciliary dyskinesia 3. Identifiers: Orphanet 244, MedGen C1837618, MONDO:0012085, OMIM 608644.

Allele frequency attached by ClinVar (database versions not stated): gnomAD exomes 0.00013 and 0.00033; ExAC 0.00035; 1000 Genomes Project 0.00140; ESP Exome Variant Server 0.00154; 1000 Genomes Project 30x 0.00156; gnomAD 0.00157 and 0.00176; TOPMed 0.00161.
gnomAD v4.1: 451 of 1,613,312 alleles (0.028%); highest among the groups gnomAD compares: African/African-American, 0.53%; 2 homozygotes.

Submissions (7):

Labcorp Genetics (formerly Invitae), Labcorp
Classification: Benign for Primary ciliary dyskinesia. Last evaluated: 2026-01-28. Review status: criteria provided, single submitter. Criteria: Invitae Variant Classification Sherloc (09022015). Collection method: clinical testing. Allele origin: germline.

Blueprint Genetics
Classification: Likely benign. Last evaluated: 2024-09-23. Review status: criteria provided, single submitter. Criteria: ACMG Guidelines, 2015. Collection method: clinical testing. Allele origin: germline.

Ambry Genetics
Classification: Benign for Primary ciliary dyskinesia. Last evaluated: 2021-03-24. Review status: criteria provided, single submitter. Criteria: Ambry Variant Classification Scheme 2023. Collection method: clinical testing. Allele origin: germline.

Illumina Laboratory Services, Illumina
Classification: Uncertain significance for Primary ciliary dyskinesia 3. Last evaluated: 2018-01-13. Review status: criteria provided, single submitter. Criteria: ICSL Variant Classification Criteria 13 December 2019. Collection method: clinical testing. Allele origin: germline.

Laboratory for Molecular Medicine, Mass General Brigham Personalized Medicine
Classification: Benign. Last evaluated: 2013-02-21. Review status: criteria provided, single submitter. Criteria: LMM Criteria. Collection method: clinical testing. Allele origin: germline. Observed: 1 variant allele.
Comment: Lys452Lys in exon 11 of DNAH5: This variant is not expected to have clinical sig nificance because it does not alter an amino acid residue and is not located wit hin the splice consensus sequence. It has been identified in 0.5% (20/4406) of A frican American chromosomes from a broad population by the NHLBI Exome Sequencin g Project (dbSNP rs144748846).

PreventionGenetics, part of Exact Sciences
Classification: Likely benign. Review status: criteria provided, single submitter. Criteria: ACMG Guidelines, 2015. Collection method: clinical testing. Allele origin: germline.

Natera, Inc.
Classification: Likely benign for Primary ciliary dyskinesia. Last evaluated: 2019-12-14. Review status: no assertion criteria provided. Collection method: clinical testing. Allele origin: germline. Not counted in ClinVar's aggregate classification.

NM_001369.3(DNAH5):c.1356G>A (p.Lys452=)

Gene: DNAH5 (dynein axonemal heavy chain 5; minus strand). Cytogenetic location: 5p15.2.
Variant type: single nucleotide variant.
Coding change: c.1356G>A on transcript NM_001369.3 (MANE Select); coding-DNA position 1356, G replaced by A.
Protein change: p.Lys452=; no amino-acid change (lysine 452 retained).
Molecular consequence: synonymous variant.
Genome position (GRCh38, 1-based): chr5:13,913,923, C>T on the plus strand (G>A on the coding strand, the complement: DNAH5 is on the minus strand). VCF-style: chr5-13913923-C-T. GRCh37 (hg19) VCF-style: chr5-13914032-C-T.
Identifiers: ClinVar variation 178757 (VCV000178757.27), dbSNP rs144748846, ClinGen allele CA182949.